The following is an entry in ClinVar:

NM_004984.4(KIF5A):c.2383C>T (p.His795Tyr)

Gene: KIF5A (kinesin family member 5A; plus strand). Cytogenetic location: 12q13.3.
Variant type: single nucleotide variant.
Coding change: c.2383C>T on transcript NM_004984.4 (MANE Select); coding-DNA position 2383, C replaced by T.
Protein change: p.His795Tyr; replaces histidine 795 with tyrosine.
Molecular consequence: missense variant.
Genome position (GRCh38, 1-based): chr12:57,578,030, C>T. VCF-style: chr12-57578030-C-T. GRCh37 (hg19) VCF-style: chr12-57971813-C-T.
Other names: c.2116C>T, p.His706Tyr (NM_001354705.2); short protein forms H706Y, H795Y.
Identifiers: ClinVar variation 2745476 (VCV002745476.3), dbSNP rs2540511765, ClinGen allele CA385512918.

ClinVar aggregate classification (germline): Uncertain significance (1 of 4 stars; one submission).

Conditions:
Spastic paraplegia. Identifiers: MedGen C0037772, HP:0001258.

Submission:

Labcorp Genetics (formerly Invitae), Labcorp
Classification: Uncertain significance for Spastic paraplegia. Last evaluated: 2023-07-20. Review status: criteria provided, single submitter. Criteria: Invitae Variant Classification Sherloc (09022015). Collection method: clinical testing. Allele origin: germline.
Comment: This sequence change replaces histidine, which is basic and polar, with tyrosine, which is neutral and polar, at codon 795 of the KIF5A protein (p.His795Tyr). This variant is not present in population databases (gnomAD no frequency). This variant has not been reported in the literature in individuals affected with KIF5A-related conditions. Advanced modeling of protein sequence and biophysical properties (such as structural, functional, and spatial information, amino acid conservation, physicochemical variation, residue mobility, and thermodynamic stability) has been performed at Invitae for this missense variant, however the output from this modeling did not meet the statistical confidence thresholds required to predict the impact of this variant on KIF5A protein function. In summary, the available evidence is currently insufficient to determine the role of this variant in disease. Therefore, it has been classified as a Variant of Uncertain Significance.